The following is an entry in ClinVar:

ClinVar aggregate classification (germline): Uncertain significance (1 of 4 stars; one submission).

Allele frequency attached by ClinVar (database versions not stated): gnomAD exomes below 0.00001; TOPMed 0.00001.
gnomAD v4.1: 1 of 1,614,206 alleles (0.000062%); highest among the groups gnomAD compares: Non-Finnish European, 0.000085%; no homozygotes.

Submission:

Laboratory for Molecular Medicine, Mass General Brigham Personalized Medicine
Classification: Uncertain significance. Last evaluated: 2015-05-27. Review status: criteria provided, single submitter. Criteria: LMM Criteria. Collection method: clinical testing. Allele origin: germline. Observed: 1 variant allele.
Comment: The p.Tyr168Cys variant in SERPINB6 has not been previously reported in individu als with hearing loss and was absent from large population studies. Computationa l prediction tools and conservation analyses suggest that the Tyr168Cys variant may impact the protein, though this information is not predictive enough to dete rmine pathogenicity. In summary, the clinical significance of the p.Tyr168Cys va riant is uncertain.

NM_004568.6(SERPINB6):c.503A>G (p.Tyr168Cys)

Gene: SERPINB6 (serpin family B member 6; minus strand). Cytogenetic location: 6p25.2.
Variant type: single nucleotide variant.
Coding change: c.503A>G on transcript NM_004568.6 (MANE Select); coding-DNA position 503, A replaced by G.
Protein change: p.Tyr168Cys; replaces tyrosine 168 with cysteine.
Molecular consequence: missense variant. On other transcripts: non-coding transcript variant (1).
Genome position (GRCh38, 1-based): chr6:2,953,114, T>C on the plus strand (A>G on the coding strand, the complement: SERPINB6 is on the minus strand). VCF-style: chr6-2953114-T-C. GRCh37 (hg19) VCF-style: chr6-2953348-T-C.
Other names: c.515A>G, p.Tyr172Cys (NM_001195291.3, NM_001374515.1); c.545A>G, p.Tyr182Cys (NM_001271822.2); c.560A>G, p.Tyr187Cys (NM_001271823.2); c.503A>G, p.Tyr168Cys (NM_001271824.2, NM_001271825.2, NM_001297699.2 and 2 more transcripts); c.371A>G, p.Tyr124Cys (NM_001374517.1); short protein forms Y168C, Y172C, Y187C, Y182C, Y124C.
Identifiers: ClinVar variation 229243 (VCV000229243.5), dbSNP rs876657997, ClinGen allele CA10576684.